The following is an entry in ClinVar:

ClinVar aggregate classification (germline): Uncertain significance (1 of 4 stars; one submission).

Submission:

GeneDx
Classification: Uncertain significance. Last evaluated: 2026-01-28. Review status: criteria provided, single submitter. Criteria: GeneDx Variant Classification Process June 2021. Collection method: clinical testing. Allele origin: germline.
Comment: Not observed at significant frequency in large population cohorts (gnomAD); In silico analysis supports that this missense variant has a deleterious effect on protein structure/function; Has not been previously published as pathogenic or benign to our knowledge

NM_144973.4(DENND5B):c.686T>C (p.Ile229Thr)

Gene: DENND5B (DENN domain containing 5B; minus strand). Cytogenetic location: 12p11.21.
Variant type: single nucleotide variant.
Coding change: c.686T>C on transcript NM_144973.4 (MANE Select); coding-DNA position 686, T replaced by C.
Protein change: p.Ile229Thr; replaces isoleucine 229 with threonine.
Molecular consequence: missense variant. On other transcripts: intron variant (1).
Genome position (GRCh38, 1-based): chr12:31,479,807, A>G on the plus strand (T>C on the coding strand, the complement: DENND5B is on the minus strand). VCF-style: chr12-31479807-A-G. GRCh37 (hg19) VCF-style: chr12-31632741-A-G.
Other names: c.791T>C, p.Ile264Thr (NM_001308339.2); c.752T>C, p.Ile251Thr (NM_001366890.1, NM_001366893.1); c.686T>C, p.Ile229Thr (NM_001366892.1); c.373+313T>C (NM_001366891.1); short protein forms I229T, I251T, I264T.
Identifiers: ClinVar variation 4975834 (VCV004975834.1).